The following is an entry in ClinVar:

ClinVar aggregate classification (germline): Uncertain significance (1 of 4 stars; one submission).

Allele frequency attached by ClinVar (database versions not stated): gnomAD exomes below 0.00001; gnomAD 0.00001.
gnomAD v4.1: 3 of 1,613,466 alleles (0.00019%); highest among the groups gnomAD compares: African/African-American, 0.0013%; no homozygotes.

Submission:

Labcorp Genetics (formerly Invitae), Labcorp
Classification: Uncertain significance. Last evaluated: 2022-11-30. Review status: criteria provided, single submitter. Criteria: Invitae Variant Classification Sherloc (09022015). Collection method: clinical testing. Allele origin: germline.
Comment: This variant has not been reported in the literature in individuals affected with PCLO-related conditions. This variant is present in population databases (no rsID available, gnomAD 0.004%). This sequence change replaces proline, which is neutral and non-polar, with serine, which is neutral and polar, at codon 665 of the PCLO protein (p.Pro665Ser). Algorithms developed to predict the effect of missense changes on protein structure and function output the following: SIFT: "Tolerated"; PolyPhen-2: "Not Available"; Align-GVGD: "Class C0". The serine amino acid residue is found in multiple mammalian species, which suggests that this missense change does not adversely affect protein function. In summary, the available evidence is currently insufficient to determine the role of this variant in disease. Therefore, it has been classified as a Variant of Uncertain Significance.

NM_033026.6(PCLO):c.1993C>T (p.Pro665Ser)

Gene: PCLO (piccolo presynaptic cytomatrix protein; minus strand). Cytogenetic location: 7q21.11.
Variant type: single nucleotide variant.
Coding change: c.1993C>T on transcript NM_033026.6 (MANE Select); coding-DNA position 1993, C replaced by T.
Protein change: p.Pro665Ser; replaces proline 665 with serine.
Molecular consequence: missense variant.
Genome position (GRCh38, 1-based): chr7:83,135,557, G>A on the plus strand (C>T on the coding strand, the complement: PCLO is on the minus strand). VCF-style: chr7-83135557-G-A. GRCh37 (hg19) VCF-style: chr7-82764873-G-A.
Other names: c.1993C>T, p.Pro665Ser (NM_014510.3); short protein forms P665S.
Identifiers: ClinVar variation 2874994 (VCV002874994.2), dbSNP rs1216522220, ClinGen allele CA367905404.